The following is an entry in ClinVar:

ClinVar aggregate classification (germline): Uncertain significance (1 of 4 stars; one submission).

Submission:

GeneDx
Classification: Uncertain significance. Last evaluated: 2025-07-08. Review status: criteria provided, single submitter. Criteria: GeneDx Variant Classification Process June 2021. Collection method: clinical testing. Allele origin: germline. Affected: yes.
Comment: Not observed at significant frequency in large population cohorts (gnomAD); Has not been previously published as pathogenic or benign to our knowledge; Reported using an alternate transcript of the gene; Initiation codon variant in an alternate transcript of a gene with an unclear effect on protein function

NM_001370420.1(EIF5A):c.-87T>C

Gene: EIF5A (eukaryotic translation initiation factor 5A; plus strand). Cytogenetic location: 17p13.1.
Variant type: single nucleotide variant.
Coding change: c.-87T>C on transcript NM_001370420.1; 87 bases upstream of the start codon, T replaced by C.
Molecular consequence: 5 prime UTR variant. On other transcripts: missense variant (1), initiator codon variant (1).
Genome position (GRCh38, 1-based): chr17:7,307,048, T>C. VCF-style: chr17-7307048-T-C. GRCh37 (hg19) VCF-style: chr17-7210367-T-C.
Other names: c.2T>C, p.Met1Thr (NM_001143760.1); short protein forms M1T.
Identifiers: ClinVar variation 4685125 (VCV004685125.1).